The following is an entry in ClinVar:

ClinVar aggregate classification (germline): Uncertain significance (1 of 4 stars; one submission).

Conditions:
Holoprosencephaly sequence (HPE). Also called: Holoprosencephaly. Identifiers: Orphanet 2162, MedGen C0079541, MONDO:0016296, HP:0001360.

Submission:

Labcorp Genetics (formerly Invitae), Labcorp
Classification: Uncertain significance for Holoprosencephaly sequence. Last evaluated: 2024-06-05. Review status: criteria provided, single submitter. Criteria: Invitae Variant Classification Sherloc (09022015). Collection method: clinical testing. Allele origin: germline.
Comment: This sequence change replaces glycine, which is neutral and non-polar, with alanine, which is neutral and non-polar, at codon 105 of the FOXH1 protein (p.Gly105Ala). This variant is not present in population databases (gnomAD no frequency). This variant has not been reported in the literature in individuals affected with FOXH1-related conditions. Advanced modeling of protein sequence and biophysical properties (such as structural, functional, and spatial information, amino acid conservation, physicochemical variation, residue mobility, and thermodynamic stability) has been performed at Invitae for this missense variant, however the output from this modeling did not meet the statistical confidence thresholds required to predict the impact of this variant on FOXH1 protein function. In summary, the available evidence is currently insufficient to determine the role of this variant in disease. Therefore, it has been classified as a Variant of Uncertain Significance.

NM_003923.3(FOXH1):c.314G>C (p.Gly105Ala)

Gene: FOXH1 (forkhead box H1; minus strand). Cytogenetic location: 8q24.3.
Variant type: single nucleotide variant.
Coding change: c.314G>C on transcript NM_003923.3 (MANE Select); coding-DNA position 314, G replaced by C.
Protein change: p.Gly105Ala; replaces glycine 105 with alanine.
Molecular consequence: missense variant.
Genome position (GRCh38, 1-based): chr8:144,475,022, C>G on the plus strand (G>C on the coding strand, the complement: FOXH1 is on the minus strand). VCF-style: chr8-144475022-C-G. GRCh37 (hg19) VCF-style: chr8-145700405-C-G.
Other names: short protein forms G105A.
Identifiers: ClinVar variation 3655600 (VCV003655600.2).